The following is an entry in ClinVar:

NM_001267550.2(TTN):c.36019G>T (p.Glu12007Ter)

Gene: TTN (titin; minus strand). Cytogenetic location: 2q31.2.
Variant type: single nucleotide variant.
Coding change: c.36019G>T on transcript NM_001267550.2 (MANE Select); coding-DNA position 36019, G replaced by T.
Protein change: p.Glu12007Ter; replaces glutamic acid 12007 with a stop codon.
Molecular consequence: nonsense. On other transcripts: intron variant (5).
Genome position (GRCh38, 1-based): chr2:178,665,401, C>A on the plus strand (G>T on the coding strand, the complement: TTN is on the minus strand). VCF-style: chr2-178665401-C-A. GRCh37 (hg19) VCF-style: chr2-179530128-C-A.
Other names: c.13283-23084G>T (NM_003319.4); c.13859-23084G>T (NM_133437.4); c.13658-23084G>T (NM_133432.3); c.31484-2346G>T (NM_133378.4); c.34265-2346G>T (NM_001256850.1); short protein forms E12007*.
Identifiers: ClinVar variation 3759630 (VCV003759630.2).
Genomic context (GRCh38, chr2:178,665,401, plus strand): 5'-AATTTCTTCTTCCACATTTGTTCAGAGGTAACGTACTTTTCATACGTGGAGTTTCTGGCT[C>A]TTCAGGTACATCCTCAAATATTTTCATTTCAGGGACAACTTCTTTCATAGCTTCTGGTGC-3'

ClinVar aggregate classification (germline): Likely pathogenic (1 of 4 stars; one submission).

Conditions:
Dilated cardiomyopathy 1G (CMD1G). Identifiers: Orphanet 154, MedGen C1858763, MONDO:0011400, OMIM 604145.
Autosomal recessive limb-girdle muscular dystrophy type 2J (LGMDR10). Also called: Limb-girdle muscular dystrophy, type 2J; MUSCULAR DYSTROPHY, LIMB-GIRDLE, AUTOSOMAL RECESSIVE 10. Identifiers: Orphanet 140922, MedGen C1837342, MONDO:0012127, OMIM 608807.

gnomAD v4.1: 1 of 1,612,420 alleles (0.000062%); highest among the groups gnomAD compares: Non-Finnish European, 0.000085%; no homozygotes.

Submission:

Labcorp Genetics (formerly Invitae), Labcorp
Classification: Likely pathogenic for Dilated cardiomyopathy 1G; Autosomal recessive limb-girdle muscular dystrophy type 2J. Last evaluated: 2024-11-04. Review status: criteria provided, single submitter. Criteria: Invitae Variant Classification Sherloc (09022015). Collection method: clinical testing. Allele origin: germline.
Comment: This sequence change creates a premature translational stop signal (p.Glu12007*) in the TTN gene. While this is not anticipated to result in nonsense mediated decay, it is expected to create a truncated TTN protein. This variant is not present in population databases (gnomAD no frequency). This variant has not been reported in the literature in individuals affected with TTN-related conditions. Algorithms developed to predict the effect of sequence changes on RNA splicing suggest that this variant may disrupt the consensus splice site. This variant is located in the I band of TTN (PMID: 25589632). Truncating variants in this region have been reported in individuals affected with autosomal recessive centronuclear myopathy (PMID: 23975875, internal data). Truncating variants in this region have also been identified in individuals affected with autosomal dominant dilated cardiomyopathy and/or cardio-related conditions (PMID: 27869827, 32964742, internal data). In summary, the currently available evidence indicates that the variant is pathogenic, but additional data are needed to prove that conclusively. Therefore, this variant has been classified as Likely Pathogenic.

Literature cited by the submitters: PubMed 25589632; PubMed 23975875; PubMed 27869827; PubMed 32964742.